The following is an entry in ClinVar:

ClinVar aggregate classification (germline): Conflicting classifications of pathogenicity. Review status: criteria provided, conflicting classifications (1 of 4 stars). 4 submissions from 4 submitters: Uncertain significance (3); Likely benign (1). Last evaluated 2026-03-05.

Conditions:
Inborn genetic diseases. Identifiers: MedGen C0950123, MeSH D030342.
RP1L1-related disorder. Also called: RP1L1-related condition.

Allele frequency attached by ClinVar (database versions not stated): TOPMed 0.00002; gnomAD 0.00007 and 0.00008; ESP Exome Variant Server 0.00016; gnomAD exomes 0.00017; ExAC 0.00025.
gnomAD v4.1: 131 of 1,613,934 alleles (0.0081%); highest among the groups gnomAD compares: Non-Finnish European, 0.0075%; no homozygotes.

Submissions (4):

PreventionGenetics, part of Exact Sciences
Classification: Uncertain significance for RP1L1-related condition. Last evaluated: 2026-03-05. Review status: criteria provided, single submitter. Criteria: ACMG Guidelines, 2015. Collection method: clinical testing. Allele origin: germline.
Comment: The RP1L1 c.257G>A variant is predicted to result in the amino acid substitution p.Gly86Asp. To our knowledge, this variant has not been reported in the literature. This variant is reported in 0.036% of alleles in individuals of European (Finnish) descent in gnomAD. At this time, the clinical significance of this variant is uncertain due to the absence of conclusive functional and genetic evidence.

Ambry Genetics
Classification: Uncertain significance for Inborn genetic diseases. Last evaluated: 2024-12-06. Review status: criteria provided, single submitter. Criteria: Ambry Variant Classification Scheme 2023. Collection method: clinical testing. Allele origin: germline.

Blueprint Genetics
Classification: Likely benign. Last evaluated: 2024-11-21. Review status: criteria provided, single submitter. Criteria: ACMG Guidelines, 2015. Collection method: clinical testing. Allele origin: germline.

Labcorp Genetics (formerly Invitae), Labcorp
Classification: Uncertain significance. Last evaluated: 2024-11-15. Review status: criteria provided, single submitter. Criteria: Invitae Variant Classification Sherloc (09022015). Collection method: clinical testing. Allele origin: germline.
Comment: This sequence change replaces glycine, which is neutral and non-polar, with aspartic acid, which is acidic and polar, at codon 86 of the RP1L1 protein (p.Gly86Asp). This variant is present in population databases (rs368839450, gnomAD 0.04%). This variant has not been reported in the literature in individuals affected with RP1L1-related conditions. ClinVar contains an entry for this variant (Variation ID: 1418121). Invitae Evidence Modeling of protein sequence and biophysical properties (such as structural, functional, and spatial information, amino acid conservation, physicochemical variation, residue mobility, and thermodynamic stability) has been performed for this missense variant. However, the output from this modeling did not meet the statistical confidence thresholds required to predict the impact of this variant on RP1L1 protein function. In summary, the available evidence is currently insufficient to determine the role of this variant in disease. Therefore, it has been classified as a Variant of Uncertain Significance.

NM_178857.6(RP1L1):c.257G>A (p.Gly86Asp)

Gene: RP1L1 (RP1 like 1). Cytogenetic location: 8p23.1.
Variant type: single nucleotide variant.
Coding change: c.257G>A on transcript NM_178857.6 (MANE Select); coding-DNA position 257, G replaced by A.
Protein change: p.Gly86Asp; replaces glycine 86 with aspartic acid.
Molecular consequence: missense variant.
Genome position (GRCh38, 1-based): chr8:10,622,945, C>T on the plus strand (G>A on the coding strand, the complement: RP1L1 is on the minus strand). VCF-style: chr8-10622945-C-T. GRCh37 (hg19) VCF-style: chr8-10480455-C-T.
Other names: c.257G>A (NM_178857.5); short protein forms G86D.
Identifiers: ClinVar variation 1418121 (VCV001418121.11), dbSNP rs368839450, ClinGen allele CA4625788.